The following is an entry in ClinVar:

ClinVar aggregate classification (germline): Pathogenic (1 of 4 stars; one submission).

Conditions:
Landau-Kleffner syndrome (FESD). Also called: APHASIA, ACQUIRED, WITH EPILEPSY; EPILEPSY, FOCAL, WITH SPEECH DISORDER AND WITH OR WITHOUT MENTAL RETARDATION. Identifiers: Orphanet 1945, Orphanet 725, Orphanet 98818, MedGen C0282512, MONDO:0009509, OMIM 245570.

Submission:

Victorian Clinical Genetics Services, Murdoch Childrens Research Institute
Classification: Pathogenic for Landau-Kleffner syndrome. Last evaluated: 2018-09-15. Review status: criteria provided, single submitter. Criteria: ACMG Guidelines, 2015. Collection method: clinical testing. Allele origin: de novo. Affected: yes. Observed: 1 variant allele.
Comment: A heterozygous missense variant, NM_000833.4(GRIN2A):c.1939G>T, has been identified in exon 10 of 14 of the GRIN2A gene. The variant is predicted to result in a moderate amino acid change from alanine to serine at position 647 of the protein (NP_000824(GRIN2A):p.(Ala647Ser)). The alanine residue at this position has very high conservation (100 vertebrates, UCSC), and is located within the Ligand-gated ion channel (Decipher) functional domain. In silico predictions for this variant are consistently pathogenic (Polyphen, SIFT, CADD, Mutation Taster). The variant is absent in population databases (gnomAD, dbSNP, 1000G). This variant has not been previously reported in clinical cases, however it is situated in a hotspot region with multiple previously described pathogenic and likely pathogenic missense variants in close proximity (ClinVar). Analysis of parental samples indicated this variant to be de novo. Based on the information available at the time of curation, this variant has been classified as PATHOGENIC.

NM_001134407.3(GRIN2A):c.1939G>T (p.Ala647Ser)

Gene: GRIN2A (glutamate ionotropic receptor NMDA type subunit 2A; minus strand). Cytogenetic location: 16p13.2.
Variant type: single nucleotide variant.
Coding change: c.1939G>T on transcript NM_001134407.3 (MANE Select); coding-DNA position 1939, G replaced by T.
Protein change: p.Ala647Ser; replaces alanine 647 with serine.
Molecular consequence: missense variant.
Genome position (GRCh38, 1-based): chr16:9,829,491, C>A on the plus strand (G>T on the coding strand, the complement: GRIN2A is on the minus strand). VCF-style: chr16-9829491-C-A. GRCh37 (hg19) VCF-style: chr16-9923348-C-A.
Other names: c.1939G>T, p.Ala647Ser (NM_000833.5, NM_001134408.2); short protein forms A647S.
Identifiers: ClinVar variation 870418 (VCV000870418.2), dbSNP rs2042447850, ClinGen allele CA394799332.